The following is an entry in ClinVar:

ClinVar aggregate classification (germline): Pathogenic/Likely pathogenic. Review status: criteria provided, multiple submitters, no conflicts (2 of 4 stars). 3 submissions from 3 submitters: Pathogenic (2); Likely pathogenic (1). Last evaluated 2022-09-28.

Conditions:
Familial adenomatous polyposis 1 (FAP1). Also called: FAMILIAL ADENOMATOUS POLYPOSIS 1, ATTENUATED; POLYPOSIS, ADENOMATOUS INTESTINAL. Identifiers: MedGen C2713442, MONDO:0021056, OMIM 175100. Disease mechanism: loss of function.
Hereditary cancer-predisposing syndrome. Also called: Neoplastic Syndromes, Hereditary; Hereditary neoplastic syndrome; Hereditary Cancer Syndrome; Tumor predisposition. Identifiers: Orphanet 140162, MedGen C0027672, MeSH D009386, MONDO:0015356.

Submissions (3):

Ambry Genetics
Classification: Pathogenic for Hereditary cancer-predisposing syndrome. Last evaluated: 2022-09-28. Review status: criteria provided, single submitter. Criteria: Ambry Variant Classification Scheme 2023. Collection method: clinical testing. Allele origin: germline.
Comment: The c.1958+3A>T intronic pathogenic mutation results from an A to T substitution 3 nucleotides after coding exon 14 in the APC gene. This alteration was identified in 1/31 unrelated Korean patients with familial adenomatous polyposis (FAP) (Jung SM et al. World J Gastroenterol. 2016 May;22(17):4380-8) and has been observed internally in at least one individual with a personal and/or family history that is consistent with APC-related disease (Ambry internal data). This variant is considered to be rare based on population cohorts in the Genome Aggregation Database (gnomAD). This nucleotide position is well conserved in available vertebrate species. In silico splice site analysis predicts that this alteration will weaken the native splice donor site. RNA studies have demonstrated that this alteration results in abnormal splicing in the set of samples tested (Ambry internal data). Other alterations impacting the same donor site (including c.1958+1G>A and c.1958+3A>G) have been detected in patients with FAP (Ambry internal data) and c.1958+3A>T has been reported to have a similar impact on splicing (Aretz S et al. Eur J Hum Genet. 2004 Jan;12(1):52-8). Based on the supporting evidence, this alteration is interpreted as a disease-causing mutation.

Labcorp Genetics (formerly Invitae), Labcorp
Classification: Pathogenic for Familial adenomatous polyposis 1. Last evaluated: 2022-05-09. Review status: criteria provided, single submitter. Criteria: Invitae Variant Classification Sherloc (09022015). Collection method: clinical testing. Allele origin: germline.
Comment: Variants that disrupt the consensus splice site are a relatively common cause of aberrant splicing (PMID: 17576681, 9536098). Studies have shown that this variant results in skipping of exon 15 and introduces a new termination codon (Invitae). However the mRNA is not expected to undergo nonsense-mediated decay. This variant disrupts a region of the APC protein in which other variant(s) (p.Tyr2645Lysfs*14) have been determined to be pathogenic (Invitae). This suggests that this is a clinically significant region of the protein, and that variants that disrupt it are likely to be disease-causing. For these reasons, this variant has been classified as Pathogenic. This variant is expected to disrupt the EB1 and HDLG binding sites, which mediate interactions with the cytoskeleton (PMID: 15311282, 17293347). While functional studies have not been performed to directly test the effect on APC protein function, this suggests that disruption of the C-terminal portion of the protein is functionally important. This variant has been observed in individuals with familial adenomatous polyposis (PMID: 27158207; Invitae). This sequence change falls in intron 15 of the APC gene. It does not directly change the encoded amino acid sequence of the APC protein. RNA analysis indicates that this variant induces altered splicing and likely disrupts the C-terminus of the protein. This variant is not present in population databases (gnomAD no frequency). ClinVar contains an entry for this variant (Variation ID: 265560).

GeneDx
Classification: Likely pathogenic. Last evaluated: 2016-06-01. Review status: criteria provided, single submitter. Criteria: GeneDx Variant Classification (06012015). Collection method: clinical testing. Allele origin: germline. Affected: yes.
Comment: This variant is denoted APC c.1958+3A>T or IVS15+3A>T and consists of a A>T nucleotide substitution at the +3 position of intron 15 of the APC gene. Multiple in silico models predict this variant to damage the nearby natural donor site and to possibly cause abnormal gene splicing; however, in the absence of RNA or functional studies, the actual effect of this variant is unknown.? This variant has not, to our knowledge, been published in the literature as pathogenic or benign. APC c.1958+3A>T was not observed in approximately 6,500 individuals of European and African American ancestry in the NHLBI Exome Sequencing Project, suggesting it is not a common benign variant in these populations. The adenine (A) nucleotide that is altered is conserved in mammals. Based on currently available information, it is unclear whether APC c.1958+3A>T is pathogenic or benign. We consider it to be a variant of uncertain significance.

Literature cited by the submitters: PubMed 27158207 (cited by Ambry Genetics and Labcorp Genetics (formerly Invitae), Labcorp); PubMed 17576681 (cited by Labcorp Genetics (formerly Invitae), Labcorp); PubMed 9536098 (cited by Labcorp Genetics (formerly Invitae), Labcorp); PubMed 15311282 (cited by Labcorp Genetics (formerly Invitae), Labcorp); PubMed 17293347 (cited by Labcorp Genetics (formerly Invitae), Labcorp).

NM_000038.6(APC):c.1958+3A>T

Gene: APC (APC regulator of Wnt signaling pathway; plus strand). Cytogenetic location: 5q22.2.
Variant type: single nucleotide variant.
Coding change: c.1958+3A>T on transcript NM_000038.6 (MANE Select); 3 bases into the intron after coding-DNA position 1958, A replaced by T.
Molecular consequence: intron variant.
Genome position (GRCh38, 1-based): chr5:112,835,168, A>T. VCF-style: chr5-112835168-A-T. GRCh37 (hg19) VCF-style: chr5-112170865-A-T.
Other names: c.1958+3A>T (NM_001354895.2, NM_001127510.3); c.1988+3A>T (NM_001354897.2); c.1685+3A>T (NM_001354902.2); c.1904+3A>T (NM_001127511.3); c.1883+3A>T (NM_001354898.2); c.1580+3A>T (NM_001354904.2); c.1109+3A>T (NM_001354906.2); c.2012+3A>T (NM_001354896.2); and 5 more.
Identifiers: ClinVar variation 265560 (VCV000265560.9), dbSNP rs879254032, ClinGen allele CA10588383.